The following is an entry in ClinVar:

ClinVar aggregate classification (germline): Uncertain significance. Review status: criteria provided, multiple submitters, no conflicts (2 of 4 stars). 2 submissions from 2 submitters: Uncertain significance (2). Last evaluated 2025-06-17.

Conditions:
Hereditary cancer-predisposing syndrome. Also called: Neoplastic Syndromes, Hereditary; Tumor predisposition; Hereditary neoplastic syndrome; Hereditary Cancer Syndrome. Identifiers: Orphanet 140162, MedGen C0027672, MeSH D009386, MONDO:0015356.
Familial cancer of breast. Also called: hereditary breast carcinoma; BREAST CANCER, FAMILIAL; Hereditary breast cancer. Identifiers: Orphanet 227535, MedGen C0346153, MONDO:0016419, OMIM 114480. Disease mechanism: loss of function.

Submissions (2):

Labcorp Genetics (formerly Invitae), Labcorp
Classification: Uncertain significance for Familial cancer of breast. Last evaluated: 2025-06-17. Review status: criteria provided, single submitter. Criteria: Invitae Variant Classification Sherloc (09022015). Collection method: clinical testing. Allele origin: germline.
Comment: This sequence change replaces serine, which is neutral and polar, with threonine, which is neutral and polar, at codon 402 of the BARD1 protein (p.Ser402Thr). This variant is not present in population databases (gnomAD no frequency). This variant has not been reported in the literature in individuals affected with BARD1-related conditions. ClinVar contains an entry for this variant (Variation ID: 644348). An algorithm developed to predict the effect of missense changes on protein structure and function outputs the following: PolyPhen-2: "Benign". The threonine amino acid residue is found in multiple mammalian species, which suggests that this missense change does not adversely affect protein function. In summary, the available evidence is currently insufficient to determine the role of this variant in disease. Therefore, it has been classified as a Variant of Uncertain Significance.

Ambry Genetics
Classification: Uncertain significance for Hereditary cancer-predisposing syndrome. Last evaluated: 2023-11-08. Review status: criteria provided, single submitter. Criteria: Ambry Variant Classification Scheme 2023. Collection method: clinical testing. Allele origin: germline.
Comment: The p.S402T variant (also known as c.1204T>A), located in coding exon 4 of the BARD1 gene, results from a T to A substitution at nucleotide position 1204. The serine at codon 402 is replaced by threonine, an amino acid with similar properties. This amino acid position is conserved. In addition, this alteration is predicted to be tolerated by in silico analysis. Since supporting evidence is limited at this time, the clinical significance of this alteration remains unclear.

NM_000465.4(BARD1):c.1204T>A (p.Ser402Thr)

Gene: BARD1 (BRCA1 associated RING domain 1; minus strand). Cytogenetic location: 2q35.
Variant type: single nucleotide variant.
Coding change: c.1204T>A on transcript NM_000465.4 (MANE Select); coding-DNA position 1204, T replaced by A.
Protein change: p.Ser402Thr; replaces serine 402 with threonine.
Molecular consequence: missense variant. On other transcripts: non-coding transcript variant (2), intron variant (3).
Genome position (GRCh38, 1-based): chr2:214,780,670, A>T on the plus strand (T>A on the coding strand, the complement: BARD1 is on the minus strand). VCF-style: chr2-214780670-A-T. GRCh37 (hg19) VCF-style: chr2-215645394-A-T.
Other names: c.1147T>A, p.Ser383Thr (NM_001282543.2); c.159-28115T>A (NM_001282548.2); c.215+16391T>A (NM_001282545.2); c.364+11627T>A (NM_001282549.2); c.1204T>A (NM_000465.2); short protein forms S383T, S402T.
Identifiers: ClinVar variation 644348 (VCV000644348.10), dbSNP rs1375796276, ClinGen allele CA350453740.